The following is an entry in ClinVar:

ClinVar aggregate classification (germline): Uncertain significance (1 of 4 stars; one submission).

Conditions:
Inborn genetic diseases. Identifiers: MedGen C0950123, MeSH D030342.

Submission:

Ambry Genetics
Classification: Uncertain significance for Inborn genetic diseases. Last evaluated: 2026-04-14. Review status: criteria provided, single submitter. Criteria: Ambry Variant Classification Scheme 2023. Collection method: clinical testing. Allele origin: germline.
Comment: The c.1485_1493dupAGAAGAGGA (p.E502_E504dup) alteration is located in exon 4 (coding exon 4) of the BCL11A gene. The alteration consists of an in-frame duplication of 9 nucleotides from position 1485 to 1493, resulting in the duplication of 3 residues. This variant was not reported in population-based cohorts in the Genome Aggregation Database (gnomAD). Based on insufficient or conflicting evidence, the clinical significance of this alteration remains unclear.

NM_022893.4(BCL11A):c.1485_1493dup (p.Glu504_Leu505insGluGluGlu)

Gene: BCL11A (BCL11 transcription factor A; minus strand). Cytogenetic location: 2p16.1.
Variant type: Duplication.
Coding change: c.1485_1493dup on transcript NM_022893.4 (MANE Select); coding-DNA positions 1485 to 1493, 9 bases duplicated (AGAAGAGGA; older notation c.1485_1493dupAGAAGAGGA).
Protein change: p.Glu504_Leu505insGluGluGlu.
Molecular consequence: inframe insertion. On other transcripts: intron variant (6).
Genome position (GRCh38, 1-based): chr2:60,461,419-60,461,427, TCCTCTTCT duplicated on the plus strand (AGAAGAGGA on the coding strand, the reverse complement: BCL11A is on the minus strand); duplicating any 9 consecutive bases within chr2:60,461,419-60,461,435 gives the same sequence; the c. name uses the placement nearest the transcript's 3' end. VCF-style (leftmost placement, unchanged base first): chr2-60461418-C-CTCCTCTTCT. GRCh37 (hg19) VCF-style: chr2-60688553-C-CTCCTCTTCT.
Other names: c.1383_1391dup, p.Glu470_Leu471insGluGluGlu (NM_001363864.1, NM_001365609.1, NM_001405711.1 and 2 more transcripts); c.1485_1493dup, p.Glu504_Leu505insGluGluGlu (NM_001405708.1, NM_001405709.1, NM_001405710.1 and 1 more transcripts); c.1329_1337dup, p.Glu452_Leu453insGluGluGlu (NM_001405713.1, NM_001405714.1, NM_001405715.1 and 3 more transcripts); c.1227_1235dup, p.Glu418_Leu419insGluGluGlu (NM_001405717.1, NM_001405718.1, NM_001405724.1); c.1152_1160dup, p.Glu393_Leu394insGluGluGlu (NM_001405720.1, NM_001405721.1); c.1029_1037dup, p.Glu352_Leu353insGluGluGlu (NM_001405725.1, NM_001405726.1, NM_001405727.1 and 1 more transcripts); c.792_800dup, p.Glu273_Leu274insGluGluGlu (NM_001405729.1); c.948_956dup, p.Glu325_Leu326insGluGluGlu (NM_001405730.1); and 5 more.
Identifiers: ClinVar variation 4867423 (VCV004867423.1).
Genomic context (GRCh38, chr2:60,461,418, plus strand): 5'-GCTCAGCCCGAAGCCGTAGTCCACCCTCTCGCTCTCCGTCAGCTCCTCCTCCTCCTCTTC[C>CTCCTCTTCT]TCCTCTTCTTCCTCTTCCTCGTCGTCCTCCTCTTCCTCCTCGTCCCCGTTCTCCGGGATC-3'